The following is an entry in ClinVar:

ClinVar aggregate classification (germline): Uncertain significance (1 of 4 stars; one submission).

Submission:

Labcorp Genetics (formerly Invitae), Labcorp
Classification: Uncertain significance. Last evaluated: 2022-07-05. Review status: criteria provided, single submitter. Criteria: Invitae Variant Classification Sherloc (09022015). Collection method: clinical testing. Allele origin: germline.
Comment: This variant, c.1024_1026dup, results in the insertion of 1 amino acid(s) of the LETM1 protein (p.Asn342dup), but otherwise preserves the integrity of the reading frame. In summary, the available evidence is currently insufficient to determine the role of this variant in disease. Therefore, it has been classified as a Variant of Uncertain Significance. Experimental studies and prediction algorithms are not available or were not evaluated, and the functional significance of this variant is currently unknown. This variant has not been reported in the literature in individuals affected with LETM1-related conditions. This variant is not present in population databases (gnomAD no frequency).

NM_012318.3(LETM1):c.1021AAC[3] (p.Asn342dup)

Gene: LETM1 (leucine zipper and EF-hand containing transmembrane protein 1; minus strand). Cytogenetic location: 4p16.3.
Variant type: Microsatellite.
Coding change: c.1021AAC[3] on transcript NM_012318.3 (MANE Select); three copies in a row of the 3-base unit AAC starting at c.1021; the reference has two copies in a row; one copy, 3 bases duplicated.
Protein change: p.Asn342dup; duplicates asparagine 342.
Molecular consequence: inframe insertion.
Genome position (GRCh38, 1-based): chr4:1,832,798-1,832,800, GTT duplicated on the plus strand (AAC on the coding strand, the reverse complement: LETM1 is on the minus strand); duplicating any 3 consecutive bases within chr4:1,832,798-1,832,804 gives the same sequence; the position shown is the placement nearest the transcript's 3' end. VCF-style (leftmost placement, unchanged base first): chr4-1832797-A-AGTT. GRCh37 (hg19) VCF-style: chr4-1834524-A-AGTT.
Identifiers: ClinVar variation 1395220 (VCV001395220.6), dbSNP rs2108846290, ClinGen allele CA2580616053.